The following is an entry in ClinVar:

NM_001024845.3(SLC6A9):c.31-6251A>G

Gene: SLC6A9 (solute carrier family 6 member 9; minus strand). Cytogenetic location: 1p34.1.
Variant type: single nucleotide variant.
Coding change: c.31-6251A>G on transcript NM_001024845.3 (MANE Select); 6251 bases into the intron before coding-DNA position 31, A replaced by G.
Molecular consequence: intron variant. On other transcripts: missense variant (5), initiator codon variant (3), non-coding transcript variant (1).
Genome position (GRCh38, 1-based): chr1:44,017,133, T>C on the plus strand (A>G on the coding strand, the complement: SLC6A9 is on the minus strand). VCF-style: chr1-44017133-T-C. GRCh37 (hg19) VCF-style: chr1-44482805-T-C.
Other names: c.1A>G, p.Met1Val (NM_001261380.2, NM_006934.4, NM_201649.4); c.38A>G, p.Asn13Ser (NM_001328627.1, NM_001328628.1); c.-15+7115A>G (NM_001328630.2, NM_001328626.2); c.31-6251A>G (NM_001328629.1); short protein forms M1V, N13S.
Identifiers: ClinVar variation 2053846 (VCV002053846.4), dbSNP rs1450790373, ClinGen allele CA340075217.

ClinVar aggregate classification (germline): Uncertain significance (1 of 4 stars; one submission).

Conditions:
Atypical glycine encephalopathy. Also called: Glycine encephalopathy with normal serum glycine. Identifiers: Orphanet 289863, MedGen C4310943, MONDO:0015010, OMIM 617301.

Allele frequency attached by ClinVar (database versions not stated): gnomAD 0.00001; gnomAD exomes 0.00001; TOPMed 0.00006.
gnomAD v4.1: 8 of 1,607,592 alleles (0.0005%); highest among the groups gnomAD compares: Admixed American, 0.013%; no homozygotes.

Submission:

Labcorp Genetics (formerly Invitae), Labcorp
Classification: Uncertain significance for Atypical glycine encephalopathy. Last evaluated: 2025-10-22. Review status: criteria provided, single submitter. Criteria: Invitae Variant Classification Sherloc (09022015). Collection method: clinical testing. Allele origin: germline.
Comment: This sequence change affects the initiator codon of the SLC6A9 mRNA. This change may impact translation initiation or efficiency. The next in-frame methionine is located at codon 15. This variant is present in population databases (no rsID available, gnomAD 0.02%). This variant has not been reported in the literature in individuals affected with SLC6A9-related conditions. ClinVar contains an entry for this variant (Variation ID: 2053846). In summary, the available evidence is currently insufficient to determine the role of this variant in disease. Therefore, it has been classified as a Variant of Uncertain Significance.